The following is an entry in ClinVar:

NM_032806.6(POMGNT2):c.550G>A (p.Gly184Ser)

Gene: POMGNT2 (protein O-linked mannose N-acetylglucosaminyltransferase 2 (beta 1,4-); minus strand). Cytogenetic location: 3p22.1.
Variant type: single nucleotide variant.
Coding change: c.550G>A on transcript NM_032806.6 (MANE Select); coding-DNA position 550, G replaced by A.
Protein change: p.Gly184Ser; replaces glycine 184 with serine.
Molecular consequence: missense variant.
Genome position (GRCh38, 1-based): chr3:43,080,882, C>T on the plus strand (G>A on the coding strand, the complement: POMGNT2 is on the minus strand). VCF-style: chr3-43080882-C-T. GRCh37 (hg19) VCF-style: chr3-43122374-C-T.
Other names: p.Gly184Ser; c.550G>A (NM_032806.4); short protein forms G184S.
Identifiers: ClinVar variation 965616 (VCV000965616.6), dbSNP rs368791726, ClinGen allele CA2340046.

ClinVar aggregate classification (germline): Uncertain significance. Review status: criteria provided, multiple submitters, no conflicts (2 of 4 stars). 3 submissions from 3 submitters: Uncertain significance (3). Last evaluated 2025-04-28.

Conditions:
Muscular dystrophy-dystroglycanopathy (congenital with brain and eye anomalies), type a, 8 (MDDGA8). Also called: WALKER-WARBURG SYNDROME OR MUSCLE-EYE-BRAIN DISEASE, GTDC2-RELATED. Identifiers: Orphanet 899, MedGen C3553813, MONDO:0013904, OMIM 614830.
Inborn genetic diseases. Identifiers: MedGen C0950123, MeSH D030342.

Allele frequency attached by ClinVar (database versions not stated): ESP Exome Variant Server 0.00008; gnomAD 0.00005; gnomAD exomes 0.00006 and 0.00005; TOPMed 0.00006; ExAC 0.00007.
gnomAD v4.1: 80 of 1,614,110 alleles (0.005%); highest among the groups gnomAD compares: East Asian, 0.025%; no homozygotes.

Submissions (3):

Ambry Genetics
Classification: Uncertain significance for Inborn genetic diseases. Last evaluated: 2025-04-28. Review status: criteria provided, single submitter. Criteria: Ambry Variant Classification Scheme 2023. Collection method: clinical testing. Allele origin: germline.

Mayo Clinic Laboratories, Mayo Clinic
Classification: Uncertain significance. Last evaluated: 2022-10-21. Review status: criteria provided, single submitter. Criteria: ACMG Guidelines, 2015. Collection method: clinical testing. Allele origin: germline. Observed: 1 variant allele.
Comment: BP4, PM2

Labcorp Genetics (formerly Invitae), Labcorp
Classification: Uncertain significance for Muscular dystrophy-dystroglycanopathy (congenital with brain and eye anomalies), type a, 8. Last evaluated: 2022-08-15. Review status: criteria provided, single submitter. Criteria: Invitae Variant Classification Sherloc (09022015). Collection method: clinical testing. Allele origin: germline.
Comment: This sequence change replaces glycine, which is neutral and non-polar, with serine, which is neutral and polar, at codon 184 of the POMGNT2 protein (p.Gly184Ser). This variant is present in population databases (rs368791726, gnomAD 0.06%). This variant has not been reported in the literature in individuals affected with POMGNT2-related conditions. ClinVar contains an entry for this variant (Variation ID: 965616). Algorithms developed to predict the effect of missense changes on protein structure and function are either unavailable or do not agree on the potential impact of this missense change (SIFT: "Tolerated"; PolyPhen-2: "Possibly Damaging"; Align-GVGD: "Class C0"). In summary, the available evidence is currently insufficient to determine the role of this variant in disease. Therefore, it has been classified as a Variant of Uncertain Significance.